The following is an entry in ClinVar:

ClinVar aggregate classification (germline): Uncertain significance (1 of 4 stars; one submission).

Submission:

Labcorp Genetics (formerly Invitae), Labcorp
Classification: Uncertain significance. Last evaluated: 2023-05-29. Review status: criteria provided, single submitter. Criteria: Invitae Variant Classification Sherloc (09022015). Collection method: clinical testing. Allele origin: germline.
Comment: This sequence change replaces leucine, which is neutral and non-polar, with proline, which is neutral and non-polar, at codon 59 of the CFH protein (p.Leu59Pro). In summary, the available evidence is currently insufficient to determine the role of this variant in disease. Therefore, it has been classified as a Variant of Uncertain Significance. Algorithms developed to predict the effect of sequence changes on RNA splicing suggest that this variant may create or strengthen a splice site. An algorithm developed to predict the effect of missense changes on protein structure and function (PolyPhen-2) suggests that this variant is likely to be disruptive. This variant has not been reported in the literature in individuals affected with CFH-related conditions. This variant is not present in population databases (gnomAD no frequency).

NM_000186.4(CFH):c.176T>C (p.Leu59Pro)

Gene: CFH (complement factor H; plus strand). Cytogenetic location: 1q31.3.
Variant type: single nucleotide variant.
Coding change: c.176T>C on transcript NM_000186.4 (MANE Select); coding-DNA position 176, T replaced by C.
Protein change: p.Leu59Pro; replaces leucine 59 with proline.
Molecular consequence: missense variant.
Genome position (GRCh38, 1-based): chr1:196,673,095, T>C. VCF-style: chr1-196673095-T-C. GRCh37 (hg19) VCF-style: chr1-196642225-T-C.
Other names: c.176T>C, p.Leu59Pro (NM_001014975.3); short protein forms L59P.
Identifiers: ClinVar variation 2792600 (VCV002792600.3), dbSNP rs1667338164, ClinGen allele CA343996112.